The following is an entry in ClinVar:

NM_005188.4(CBL):c.2428A>G (p.Thr810Ala)

Gene: CBL (Cbl proto-oncogene; plus strand). Cytogenetic location: 11q23.3.
Variant type: single nucleotide variant.
Coding change: c.2428A>G on transcript NM_005188.4 (MANE Select); coding-DNA position 2428, A replaced by G.
Protein change: p.Thr810Ala; replaces threonine 810 with alanine.
Molecular consequence: missense variant.
Genome position (GRCh38, 1-based): chr11:119,298,534, A>G. VCF-style: chr11-119298534-A-G. GRCh37 (hg19) VCF-style: chr11-119169244-A-G.
Other names: c.2428A>G (NM_005188.2); short protein forms T810A.
Identifiers: ClinVar variation 2148216 (VCV002148216.5), dbSNP rs1950079213, ClinGen allele CA382930518.

ClinVar aggregate classification (germline): Uncertain significance. Review status: criteria provided, multiple submitters, no conflicts (2 of 4 stars). 2 submissions from 2 submitters: Uncertain significance (2). Last evaluated 2025-01-08.

Conditions:
Cardiovascular phenotype. Identifiers: MedGen CN230736.
RASopathy. Also called: rasopathies; Noonan spectrum disorder. Identifiers: Orphanet 536391, MedGen C5555857, MONDO:0021060.

Allele frequency attached by ClinVar (database versions not stated): gnomAD exomes below 0.00001.
gnomAD v4.1: 1 of 1,614,092 alleles (0.000062%); highest among the groups gnomAD compares: Admixed American, 0.0017%; no homozygotes.

Submissions (2):

Labcorp Genetics (formerly Invitae), Labcorp
Classification: Uncertain significance for RASopathy. Last evaluated: 2025-01-08. Review status: criteria provided, single submitter. Criteria: Invitae Variant Classification Sherloc (09022015). Collection method: clinical testing. Allele origin: germline.
Comment: This sequence change replaces threonine, which is neutral and polar, with alanine, which is neutral and non-polar, at codon 810 of the CBL protein (p.Thr810Ala). This variant is not present in population databases (gnomAD no frequency). This variant has not been reported in the literature in individuals affected with CBL-related conditions. ClinVar contains an entry for this variant (Variation ID: 2148216). Invitae Evidence Modeling of protein sequence and biophysical properties (such as structural, functional, and spatial information, amino acid conservation, physicochemical variation, residue mobility, and thermodynamic stability) indicates that this missense variant is not expected to disrupt CBL protein function with a negative predictive value of 95%. In summary, the available evidence is currently insufficient to determine the role of this variant in disease. Therefore, it has been classified as a Variant of Uncertain Significance.

Ambry Genetics
Classification: Uncertain significance for Cardiovascular phenotype. Last evaluated: 2024-12-20. Review status: criteria provided, single submitter. Criteria: Ambry Variant Classification Scheme 2023. Collection method: clinical testing. Allele origin: germline.
Comment: The p.T810A variant (also known as c.2428A>G), located in coding exon 15 of the CBL gene, results from an A to G substitution at nucleotide position 2428. The threonine at codon 810 is replaced by alanine, an amino acid with similar properties. This amino acid position is conserved. In addition, this alteration is predicted to be tolerated by in silico analysis. Based on the available evidence, the clinical significance of this variant remains unclear.